The following is an entry in ClinVar:

ClinVar aggregate classification (germline): Pathogenic. Review status: criteria provided, multiple submitters, no conflicts (2 of 4 stars). 6 submissions from 6 submitters: Pathogenic (6). Last evaluated 2025-06-04.

Conditions:
Hereditary cancer-predisposing syndrome. Also called: Tumor predisposition; Hereditary Cancer Syndrome; Hereditary neoplastic syndrome; Neoplastic Syndromes, Hereditary. Identifiers: Orphanet 140162, MedGen C0027672, MeSH D009386, MONDO:0015356.
Hereditary breast ovarian cancer syndrome. Also called: Breast and ovarian cancer; Hereditary breast and ovarian cancer; Hereditary breast and/or ovarian cancer syndrome; BRCA1- and BRCA2-Associated Hereditary Breast and Ovarian Cancer; Hereditary breast and ovarian cancer syndrome (HBOC); Hereditary breast and ovarian cancer syndrome. Identifiers: Orphanet 145, MedGen C0677776, MeSH D061325, MONDO:0003582. Disease mechanism: loss of function.
Familial cancer of breast. Also called: BREAST CANCER, FAMILIAL; Hereditary breast cancer; hereditary breast carcinoma. Identifiers: Orphanet 227535, MedGen C0346153, MONDO:0016419, OMIM 114480. Disease mechanism: loss of function.

Submissions (6):

Labcorp Genetics (formerly Invitae), Labcorp
Classification: Pathogenic for Familial cancer of breast. Last evaluated: 2025-06-04. Review status: criteria provided, single submitter. Criteria: Invitae Variant Classification Sherloc (09022015). Collection method: clinical testing. Allele origin: germline.
Comment: This sequence change creates a premature translational stop signal (p.Glu263Asnfs*16) in the PALB2 gene. It is expected to result in an absent or disrupted protein product. Loss-of-function variants in PALB2 are known to be pathogenic (PMID: 17200668, 17200671, 17200672, 24136930, 25099575). This variant is not present in population databases (gnomAD no frequency). This variant has not been reported in the literature in individuals affected with PALB2-related conditions. ClinVar contains an entry for this variant (Variation ID: 182743). For these reasons, this variant has been classified as Pathogenic.

Myriad Genetics, Inc.
Classification: Pathogenic for Familial cancer of breast. Last evaluated: 2023-09-07. Review status: criteria provided, single submitter. Criteria: Myriad Autosomal Dominant, Autosomal Recessive and X-Linked Classification Criteria (2023). Collection method: clinical testing. Allele origin: unknown.
Comment: This variant is considered pathogenic. This variant creates a frameshift predicted to result in premature protein truncation.

Ambry Genetics
Classification: Pathogenic for Hereditary cancer-predisposing syndrome. Last evaluated: 2022-10-13. Review status: criteria provided, single submitter. Criteria: Ambry Variant Classification Scheme 2023. Collection method: clinical testing. Allele origin: germline.
Comment: The c.786delT pathogenic mutation, located in coding exon 4 of the PALB2 gene, results from a deletion of one nucleotide at nucleotide position 786, causing a translational frameshift with a predicted alternate stop codon (p.E263Nfs*16). This alteration is expected to result in loss of function by premature protein truncation or nonsense-mediated mRNA decay. As such, this alteration is interpreted as a disease-causing mutation.

Women's Health and Genetics/Laboratory Corporation of America, LabCorp
Classification: Pathogenic for Hereditary breast ovarian cancer syndrome. Last evaluated: 2021-12-20. Review status: criteria provided, single submitter. Criteria: LabCorp Variant Classification Summary - May 2015. Collection method: clinical testing. Allele origin: germline.
Comment: Variant summary: PALB2 c.786delT (p.Glu263AsnfsX16) results in a premature termination codon, predicted to cause a truncation of the encoded protein or absence of the protein due to nonsense mediated decay, which are commonly known mechanisms for disease. Truncations downstream of this position have been classified as pathogenic by our laboratory. The variant was absent in 251416 control chromosomes (gnomAD). c.786delT has been reported in the literature in individuals affected with Breast/Ovarian Cancer and invasive ductal carcinoma (examples: Dorling_2021 and Woodward_2021). To our knowledge, no experimental evidence demonstrating an impact on protein function has been reported. Four clinical diagnostic laboratories have submitted clinical-significance assessments for this variant to ClinVar after 2014 and all laboratories classified the variant as pathogenic. Based on the evidence outlined above, the variant was classified as pathogenic.

Color Diagnostics, LLC DBA Color Health
Classification: Pathogenic for Hereditary cancer-predisposing syndrome. Last evaluated: 2020-01-15. Review status: criteria provided, single submitter. Criteria: ACMG Guidelines, 2015. Collection method: clinical testing. Allele origin: germline.
Comment: This variant deletes 1 nucleotide in exon 4 of the PALB2 gene, creating a frameshift and premature translation stop signal. This variant is expected to result in an absent or non-functional protein product. This variant has not been identified in the general population by the Genome Aggregation Database (gnomAD). Loss of PALB2 function is a known mechanism of disease. Based on the available evidence, this variant is classified as Pathogenic.

GeneDx
Classification: Pathogenic. Last evaluated: 2015-11-27. Review status: criteria provided, single submitter. Criteria: GeneDx Variant Classification (06012015). Collection method: clinical testing. Allele origin: germline. Affected: yes.
Comment: This deletion of one nucleotide is denoted PALB2 c.786delT at the cDNA level and p.Glu263AsnfsX16 (E263NfsX16) at the protein level. The normal sequence, with the base that is deleted in braces, is ACCT[T]GAAC. The deletion causes a frameshift, which changes a Glutamic Acid to an Asparagine at codon 263, and creates a premature stop codon at position 16 of the new reading frame. Although this variant has not, to our knowledge, been reported in the literature, it is predicted to cause loss of normal protein function through either protein truncation or nonsense-mediated mRNA decay. We consider this variant to be likely pathogenic.

Literature cited by the submitters: PubMed 17200668 (cited by Labcorp Genetics (formerly Invitae), Labcorp); PubMed 17200671 (cited by Labcorp Genetics (formerly Invitae), Labcorp); PubMed 17200672 (cited by Labcorp Genetics (formerly Invitae), Labcorp); PubMed 24136930 (cited by Labcorp Genetics (formerly Invitae), Labcorp); PubMed 25099575 (cited by Labcorp Genetics (formerly Invitae), Labcorp); PubMed 33471991 (cited by Women's Health and Genetics/Laboratory Corporation of America, LabCorp); PubMed 34113003 (cited by Women's Health and Genetics/Laboratory Corporation of America, LabCorp).

NM_024675.4(PALB2):c.786del (p.Glu263fs)

Gene: PALB2 (partner and localizer of BRCA2; minus strand). Cytogenetic location: 16p12.2.
Variant type: Deletion.
Coding change: c.786del on transcript NM_024675.4 (MANE Select); coding-DNA position 786, one base deleted (T; older notation c.786delT).
Protein change: p.Glu263fs; shifts the reading frame from glutamic acid 263.
Molecular consequence: frameshift variant.
Genome position (GRCh38, 1-based): chr16:23,635,760, A deleted on the plus strand (T on the coding strand, the reverse complement: PALB2 is on the minus strand); the first of 2 consecutive A bases (chr16:23,635,760-23,635,761); deleting either gives the same sequence. VCF-style (leftmost placement, unchanged base first): chr16-23635759-CA-C. GRCh37 (hg19) VCF-style: chr16-23647080-CA-C.
Other names: c.786delT (NM_024675.3); short protein forms E263fs.
Identifiers: ClinVar variation 182743 (VCV000182743.20), dbSNP rs730881870, ClinGen allele CA299665.